The following is an entry in ClinVar:

NM_001040108.2(MLH3):c.796A>G (p.Lys266Glu)

Gene: MLH3 (mutL homolog 3; minus strand). Cytogenetic location: 14q24.3.
Variant type: single nucleotide variant.
Coding change: c.796A>G on transcript NM_001040108.2 (MANE Select); coding-DNA position 796, A replaced by G.
Protein change: p.Lys266Glu; replaces lysine 266 with glutamic acid.
Molecular consequence: missense variant.
Genome position (GRCh38, 1-based): chr14:75,048,860, T>C on the plus strand (A>G on the coding strand, the complement: MLH3 is on the minus strand). VCF-style: chr14-75048860-T-C. GRCh37 (hg19) VCF-style: chr14-75515563-T-C.
Other names: c.796A>G, p.Lys266Glu (NM_014381.3); short protein forms K266E.
Identifiers: ClinVar variation 1761420 (VCV001761420.3), dbSNP rs1892459005, ClinGen allele CA390449027.

ClinVar aggregate classification (germline): Uncertain significance (1 of 4 stars; one submission).

Allele frequency attached by ClinVar (database versions not stated): gnomAD 0.00001.
gnomAD v4.1: 1 of 1,614,020 alleles (0.000062%); highest among the groups gnomAD compares: African/African-American, 0.0013%; no homozygotes.

Submission:

Ambry Genetics
Classification: Uncertain significance. Last evaluated: 2025-04-25. Review status: criteria provided, single submitter. Criteria: Ambry Variant Classification Scheme 2023. Collection method: clinical testing. Allele origin: germline.
Comment: The p.K266E variant (also known as c.796A>G), located in coding exon 1 of the MLH3 gene, results from an A to G substitution at nucleotide position 796. The lysine at codon 266 is replaced by glutamic acid, an amino acid with similar properties. This amino acid position is well conserved in available vertebrate species. In addition, this alteration is predicted to be deleterious by in silico analysis. The evidence for this gene-disease relationship is limited; therefore, the clinical significance of this alteration is unclear.